The following is an entry in ClinVar:

NM_015335.5(MED13L):c.2832T>A (p.Phe944Leu)

Gene: MED13L (mediator complex subunit 13L; minus strand). Cytogenetic location: 12q24.21.
Variant type: single nucleotide variant.
Coding change: c.2832T>A on transcript NM_015335.5 (MANE Select); coding-DNA position 2832, T replaced by A.
Protein change: p.Phe944Leu; replaces phenylalanine 944 with leucine.
Molecular consequence: missense variant.
Genome position (GRCh38, 1-based): chr12:115,996,640, A>T on the plus strand (T>A on the coding strand, the complement: MED13L is on the minus strand). VCF-style: chr12-115996640-A-T. GRCh37 (hg19) VCF-style: chr12-116434445-A-T.
Other names: short protein forms F944L.
Identifiers: ClinVar variation 841884 (VCV000841884.12), dbSNP rs764385703, ClinGen allele CA6811088.
Genomic context (GRCh38, chr12:115,996,640, plus strand): 5'-CAGAGGTAGCAAACAATGGCTCGGCAACATCTTCAGTGGAGCAAACATGGAGGATCCCAC[A>T]AAAGGTTGAAAGGATGGAACTTTGTGCACATATGAAAAGTCCTGTGACAACAAAGTGGGG-3'
Protein context (NP_056150.1, residues 934-954): YVHKVPSFQP[Phe944Leu]VGSSMFAPLK

ClinVar aggregate classification (germline): Conflicting classifications of pathogenicity. Review status: criteria provided, conflicting classifications (1 of 4 stars). 2 submissions from 2 submitters: Uncertain significance (1); Likely benign (1). Last evaluated 2022-07-25.

Conditions:
Dextro-looped transposition of the great arteries. Also called: Dextrotransposition of the great arteries. Identifiers: Orphanet 860, MedGen C3531771, MONDO:0019443, OMIM 608808, HP:0031348.

Allele frequency attached by ClinVar (database versions not stated): gnomAD exomes below 0.00001; TOPMed below 0.00001; ExAC 0.00001.
gnomAD v4.1: 1 of 1,614,114 alleles (0.000062%); highest among the groups gnomAD compares: South Asian, 0.0011%; no homozygotes.

Submissions (2):

Labcorp Genetics (formerly Invitae), Labcorp
Classification: Likely benign for Dextro-looped transposition of the great arteries. Last evaluated: 2022-07-25. Review status: criteria provided, single submitter. Criteria: Invitae Variant Classification Sherloc (09022015). Collection method: clinical testing. Allele origin: germline.

Greenwood Genetic Center Diagnostic Laboratories, Greenwood Genetic Center
Classification: Uncertain significance. Last evaluated: 2022-02-16. Review status: criteria provided, single submitter. Criteria: ACMG Guidelines, 2015. Collection method: clinical testing. Allele origin: germline. Affected: yes.
Comment: PM2, BP4